The following is an entry in ClinVar:

NM_001103.4(ACTN2):c.2412C>T (p.Asn804=)

Gene: ACTN2 (actinin alpha 2; plus strand). Cytogenetic location: 1q43.
Variant type: single nucleotide variant.
Coding change: c.2412C>T on transcript NM_001103.4 (MANE Select); coding-DNA position 2412, C replaced by T.
Protein change: p.Asn804=; no amino-acid change (asparagine 804 retained).
Molecular consequence: synonymous variant.
Genome position (GRCh38, 1-based): chr1:236,761,059, C>T. VCF-style: chr1-236761059-C-T. GRCh37 (hg19) VCF-style: chr1-236924359-C-T.
Other names: c.2412C>T, p.Asn804= (NM_001278343.2); c.1788C>T, p.Asn596= (NM_001278344.2).
Identifiers: ClinVar variation 238300 (VCV000238300.40), dbSNP rs201700660, ClinGen allele CA1473438.

ClinVar aggregate classification (germline): Likely benign. Review status: criteria provided, multiple submitters, no conflicts (2 of 4 stars). 9 submissions from 9 submitters: Likely benign (7). 2 of the submissions do not count toward it. Last evaluated 2026-06-27.

Conditions:
ACTN2-related disorder. Also called: ACTN2-related disorders; ACTN2 related condition.
Cardiovascular phenotype. Identifiers: MedGen CN230736.
Primary familial hypertrophic cardiomyopathy (HCM). Identifiers: Orphanet 99739, MedGen C0949658, MeSH D024741, MONDO:0024573. Inheritance: Various modes of inheritance.
Dilated cardiomyopathy 1AA (CMD1AA). Also called: Cardiomyopathy, dilated, 1AA, with or without LVNC; CARDIOMYOPATHY, DILATED, 1AA, WITH OR WITHOUT LEFT VENTRICULAR NONCOMPACTION; CARDIOMYOPATHY, FAMILIAL HYPERTROPHIC, 23, WITH OR WITHOUT LEFT VENTRICULAR NONCOMPACTION. Identifiers: Orphanet 154, MedGen C2677338, MONDO:0012808, OMIM 612158.
Cardiomyopathy (CMYO). Also called: Cardiomyopathies. Identifiers: Orphanet 167848, MedGen C0878544, MONDO:0004994, HP:0001638. Inheritance: Various modes of inheritance.

Allele frequency attached by ClinVar (database versions not stated): gnomAD 0.00004; TOPMed 0.00004; gnomAD exomes 0.00006 and 0.00010; ExAC 0.00012.
gnomAD v4.1: 99 of 1,614,064 alleles (0.0061%); highest among the groups gnomAD compares: South Asian, 0.016%; 1 homozygote.

Submissions (9):

PreventionGenetics, part of Exact Sciences
Classification: Likely benign for ACTN2-related condition. Last evaluated: 2026-06-27. Review status: criteria provided, single submitter. Criteria: ACMG Guidelines, 2015. Collection method: clinical testing. Allele origin: germline.
Comment: This variant is classified as likely benign based on ACMG/AMP sequence variant interpretation guidelines (Richards et al. 2015 PMID: 25741868, with internal and published modifications).

Labcorp Genetics (formerly Invitae), Labcorp
Classification: Likely benign for Primary familial hypertrophic cardiomyopathy; Dilated cardiomyopathy 1AA. Last evaluated: 2026-01-31. Review status: criteria provided, single submitter. Criteria: Invitae Variant Classification Sherloc (09022015). Collection method: clinical testing. Allele origin: germline.

CeGaT Center for Human Genetics Tuebingen
Classification: Likely benign. Last evaluated: 2024-05-01. Review status: criteria provided, single submitter. Criteria: CeGaT Center For Human Genetics Tuebingen Variant Classification Criteria Version 2. Collection method: clinical testing. Allele origin: germline. Affected: yes. Observed: 1 variant allele.
Comment: ACTN2: BP4, BP7

Blueprint Genetics
Classification: Likely benign. Last evaluated: 2024-01-25. Review status: criteria provided, single submitter. Criteria: ACMG Guidelines, 2015. Collection method: clinical testing. Allele origin: germline.

Ambry Genetics
Classification: Likely benign for Cardiovascular phenotype. Last evaluated: 2022-07-23. Review status: criteria provided, single submitter. Criteria: Ambry Variant Classification Scheme 2023. Collection method: clinical testing. Allele origin: germline.

CHEO Genetics Diagnostic Laboratory, Children's Hospital of Eastern Ontario
Classification: Likely benign for Cardiomyopathy. Last evaluated: 2019-10-30. Review status: criteria provided, single submitter. Criteria: ACMG Guidelines, 2015. Collection method: clinical testing. Allele origin: germline.

GeneDx
Classification: Likely benign. Last evaluated: 2019-03-29. Review status: criteria provided, single submitter. Criteria: GeneDx Variant Classification Process June 2021. Collection method: clinical testing. Allele origin: germline. Affected: yes.
Comment: This variant is associated with the following publications: (PMID: 27545006)

Clinical Genetics, Academic Medical Center
Classification: Benign. Review status: no assertion criteria provided. Collection method: clinical testing. Allele origin: germline. Affected: yes. Study: VKGL Data-share Consensus. Not counted in ClinVar's aggregate classification.

Joint Genome Diagnostic Labs from Nijmegen and Maastricht, Radboudumc and MUMC+
Classification: Likely benign. Review status: no assertion criteria provided. Collection method: clinical testing. Allele origin: germline. Affected: yes. Study: VKGL Data-share Consensus. Not counted in ClinVar's aggregate classification.